The following is an entry in ClinVar:

NM_004655.4(AXIN2):c.992A>G (p.Lys331Arg)

Gene: AXIN2 (axin 2; minus strand). Cytogenetic location: 17q24.1.
Variant type: single nucleotide variant.
Coding change: c.992A>G on transcript NM_004655.4 (MANE Select); coding-DNA position 992, A replaced by G.
Protein change: p.Lys331Arg; replaces lysine 331 with arginine.
Molecular consequence: missense variant.
Genome position (GRCh38, 1-based): chr17:65,541,522, T>C on the plus strand (A>G on the coding strand, the complement: AXIN2 is on the minus strand). VCF-style: chr17-65541522-T-C. GRCh37 (hg19) VCF-style: chr17-63537640-T-C.
Other names: c.992A>G, p.Lys331Arg (NM_001363813.1); short protein forms K331R.
Identifiers: ClinVar variation 3470942 (VCV003470942.1).
Genomic context (GRCh38, chr17:65,541,522, plus strand): 5'-TGAGGTAGAGACACTTGGCCATTGGCCTTCACACTGCGATGCATTTCTCTCTGGAGCTGT[T>C]TCTTACTGCCCACACGATAAGGAGGAATTCCATCTCTAAGGGAAAGGAAAAGACAGAATC-3'
Protein context (NP_004646.3, residues 321-341): GIPPYRVGSK[Lys331Arg]QLQREMHRSV

ClinVar aggregate classification (germline): Uncertain significance (1 of 4 stars; one submission).

Conditions:
Hereditary cancer-predisposing syndrome. Also called: Tumor predisposition; Neoplastic Syndromes, Hereditary; Hereditary neoplastic syndrome; Hereditary Cancer Syndrome. Identifiers: Orphanet 140162, MedGen C0027672, MeSH D009386, MONDO:0015356.

gnomAD v4.1: 1 of 1,614,066 alleles (0.000062%); highest among the groups gnomAD compares: Non-Finnish European, 0.000085%; no homozygotes.

Submission:

Ambry Genetics
Classification: Uncertain significance for Hereditary cancer-predisposing syndrome. Last evaluated: 2024-11-23. Review status: criteria provided, single submitter. Criteria: Ambry Variant Classification Scheme 2023. Collection method: clinical testing. Allele origin: germline.
Comment: The p.K331R variant (also known as c.992A>G), located in coding exon 3 of the AXIN2 gene, results from an A to G substitution at nucleotide position 992. The lysine at codon 331 is replaced by arginine, an amino acid with highly similar properties. This amino acid position is conserved. In addition, the in silico prediction for this alteration is inconclusive. Based on the available evidence, the clinical significance of this variant remains unclear.